The following is an entry in ClinVar:

ClinVar aggregate classification (germline): Uncertain significance. Review status: criteria provided, single submitter (1 of 4 stars). 2 submissions from 2 submitters: Uncertain significance (1). 1 of the submissions does not count toward it. Last evaluated 2016-02-11.

Conditions:
Familial dysautonomia. Also called: FD; HSAN III. Identifiers: Orphanet 1764, MedGen C0013364, MONDO:0009131, OMIM 223900. Disease mechanism: loss of function.

Submissions (2):

GeneDx
Classification: Uncertain significance. Last evaluated: 2016-02-11. Review status: criteria provided, single submitter. Criteria: GeneDx Variant Classification (06012015). Collection method: clinical testing. Allele origin: germline. Affected: yes.
Comment: The D120G variant has not been published as a pathogenic variant, nor has it been reported as a benign variant to our knowledge. It was not observed in approximately 6,500 individuals of European and African American ancestry in the NHLBI Exome Sequencing Project, indicating it is not a common benign variant in these populations. The D120G variant is a non-conservative amino acid substitution, which is likely to impact secondary protein structure as these residues differ in polarity, charge, size and/or other properties. This substitution occurs at a position that is conserved across species, and in silico analysis predicts this variant is probably damaging to the protein structure/function. Based on the currently available information, it is unclear whether this variant is a pathogenic variant or a rare benign variant.

Natera, Inc.
Classification: Uncertain significance for Familial dysautonomia. Last evaluated: 2020-09-16. Review status: no assertion criteria provided. Collection method: clinical testing. Allele origin: germline. Not counted in ClinVar's aggregate classification.

NM_003640.5(ELP1):c.359A>G (p.Asp120Gly)

Gene: ELP1 (elongator acetyltransferase complex subunit 1; minus strand). Cytogenetic location: 9q31.3.
Variant type: single nucleotide variant.
Coding change: c.359A>G on transcript NM_003640.5 (MANE Select); coding-DNA position 359, A replaced by G.
Protein change: p.Asp120Gly; replaces aspartic acid 120 with glycine.
Molecular consequence: missense variant. On other transcripts: 5 prime UTR variant (1).
Genome position (GRCh38, 1-based): chr9:108,927,398, T>C on the plus strand (A>G on the coding strand, the complement: ELP1 is on the minus strand). VCF-style: chr9-108927398-T-C. GRCh37 (hg19) VCF-style: chr9-111689678-T-C.
Other names: c.359A>G (LRG_251t1); c.17A>G, p.Asp6Gly (NM_001318360.2); c.-501A>G (NM_001330749.2); short protein forms D120G, D6G.
Identifiers: ClinVar variation 246382 (VCV000246382.3), dbSNP rs879254229, ClinGen allele CA10584298.